The following is an entry in ClinVar:

NM_000020.3(ACVRL1):c.1042G>T (p.Asp348Tyr)

Gene: ACVRL1 (activin A receptor like type 1; plus strand). Cytogenetic location: 12q13.13.
Variant type: single nucleotide variant.
Coding change: c.1042G>T on transcript NM_000020.3 (MANE Select); coding-DNA position 1042, G replaced by T.
Protein change: p.Asp348Tyr; replaces aspartic acid 348 with tyrosine.
Molecular consequence: missense variant.
Genome position (GRCh38, 1-based): chr12:51,915,494, G>T. VCF-style: chr12-51915494-G-T. GRCh37 (hg19) VCF-style: chr12-52309278-G-T.
Other names: c.1042G>T, p.Asp348Tyr (NM_001077401.2); short protein forms D348Y.
Identifiers: ClinVar variation 838286 (VCV000838286.9), dbSNP rs1940813954, ClinGen allele CA384901836.
Genomic context (GRCh38, chr12:51,915,494, plus strand): 5'-CACCGCGACTTCAAGAGCCGCAATGTGCTGGTCAAGAGCAACCTGCAGTGTTGCATCGCC[G>T]ACCTGGGTGAGCCGGGCGGGGCAGGGGCGCGCCCTTCACAGGTGGGCGGAGCTTGTGCGC-3'
Protein context (NP_000011.2, residues 338-358): VKSNLQCCIA[Asp348Tyr]LGLAVMHSQG

ClinVar aggregate classification (germline): Pathogenic (1 of 4 stars; one submission).

Conditions:
Telangiectasia, hereditary hemorrhagic, type 2 (HHT2). Also called: Telangiectasia, hereditary hemorrhagic, type II; ACVRL1-Related Hereditary Hemorrhagic Telangiectasia. Identifiers: Orphanet 774, MedGen C1838163, MONDO:0010880, OMIM 600376. Disease mechanism: loss of function.

Submission:

Labcorp Genetics (formerly Invitae), Labcorp
Classification: Pathogenic for Telangiectasia, hereditary hemorrhagic, type 2. Last evaluated: 2026-01-10. Review status: criteria provided, single submitter. Criteria: Invitae Variant Classification Sherloc (09022015). Collection method: clinical testing. Allele origin: germline.
Comment: This sequence change replaces aspartic acid, which is acidic and polar, with tyrosine, which is neutral and polar, at codon 348 of the ACVRL1 protein (p.Asp348Tyr). This variant is not present in population databases (gnomAD no frequency). This missense change has been observed in individual(s) with clinical features of hereditary hemorrhagic telangiectasia (internal data). ClinVar contains an entry for this variant (Variation ID: 838286). Invitae Evidence Modeling of protein sequence and biophysical properties (such as structural, functional, and spatial information, amino acid conservation, physicochemical variation, residue mobility, and thermodynamic stability) indicates that this missense variant is expected to disrupt ACVRL1 protein function with a positive predictive value of 95%. This variant disrupts the p.Asp348 amino acid residue in ACVRL1. Other variant(s) that disrupt this residue have been determined to be pathogenic (internal data). This suggests that this residue is clinically significant, and that variants that disrupt this residue are likely to be disease-causing. For these reasons, this variant has been classified as Pathogenic.